The following is an entry in ClinVar:

NM_005245.4(FAT1):c.5403A>C (p.Lys1801Asn)

Gene: FAT1 (FAT atypical cadherin 1; minus strand). Cytogenetic location: 4q35.2.
Variant type: single nucleotide variant.
Coding change: c.5403A>C on transcript NM_005245.4 (MANE Select); coding-DNA position 5403, A replaced by C.
Protein change: p.Lys1801Asn; replaces lysine 1801 with asparagine.
Molecular consequence: missense variant.
Genome position (GRCh38, 1-based): chr4:186,621,183, T>G on the plus strand (A>C on the coding strand, the complement: FAT1 is on the minus strand). VCF-style: chr4-186621183-T-G. GRCh37 (hg19) VCF-style: chr4-187542337-T-G.
Other names: short protein forms K1801N.
Identifiers: ClinVar variation 1303388 (VCV001303388.2), dbSNP rs2126522920, ClinGen allele CA358972670.

ClinVar aggregate classification (germline): Uncertain significance (1 of 4 stars; one submission).

Submission:

GeneDx
Classification: Uncertain significance. Last evaluated: 2019-06-20. Review status: criteria provided, single submitter. Criteria: GeneDx Variant Classification Process June 2021. Collection method: clinical testing. Allele origin: germline. Affected: yes.
Comment: Not observed in large population cohorts (Lek et al., 2016); In silico analysis, which includes protein predictors and evolutionary conservation, supports that this variant does not alter protein structure/function; Has not been previously published as pathogenic or benign to our knowledge; Variants in candidate genes are classified as variants of uncertain significance in accordance with ACMG guidelines (Richards et al., 2015)